The following is an entry in ClinVar:

NM_000271.5(NPC1):c.3755-16TC[4]

Gene: NPC1 (NPC intracellular cholesterol transporter 1; minus strand). Cytogenetic location: 18q11.2.
Variant type: Microsatellite.
Coding change: c.3755-16TC[4] on transcript NM_000271.5 (MANE Select); four copies in a row of the 2-base unit TC starting at c.3755-16; the reference has six copies in a row; two copies, 4 bases deleted.
Molecular consequence: intron variant.
Genome position (GRCh38, 1-based): chr18:23,532,289-23,532,292, GAGA deleted on the plus strand (TCTC on the coding strand, the reverse complement: NPC1 is on the minus strand); deleting any 4 consecutive bases within chr18:23,532,289-23,532,300 gives the same sequence; the position shown is the placement nearest the transcript's 3' end. VCF-style (leftmost placement, unchanged base first): chr18-23532288-TGAGA-T. GRCh37 (hg19) VCF-style: chr18-21112252-TGAGA-T.
Identifiers: ClinVar variation 1396968 (VCV001396968.3), dbSNP rs760529810, ClinGen allele CA8912648.

ClinVar aggregate classification (germline): Uncertain significance (1 of 4 stars; one submission).

Conditions:
Niemann-Pick disease, type C1. Also called: NEUROVISCERAL STORAGE DISEASE WITH VERTICAL SUPRANUCLEAR OPHTHALMOPLEGIA; NIEMANN-PICK DISEASE WITH CHOLESTEROL ESTERIFICATION BLOCK; NIEMANN-PICK DISEASE WITHOUT SPHINGOMYELINASE DEFICIENCY; NIEMANN-PICK DISEASE, CHRONIC NEURONOPATHIC FORM; NIEMANN-PICK DISEASE, VARIANT TYPE C1. Identifiers: Orphanet 646, MedGen C3179455, MONDO:0009757, OMIM 257220.

Submission:

Labcorp Genetics (formerly Invitae), Labcorp
Classification: Uncertain significance for Niemann-Pick disease, type C1. Last evaluated: 2022-02-25. Review status: criteria provided, single submitter. Criteria: Invitae Variant Classification Sherloc (09022015). Collection method: clinical testing. Allele origin: germline.
Comment: This sequence change falls in intron 24 of the NPC1 gene. It does not directly change the encoded amino acid sequence of the NPC1 protein. This variant is present in population databases (rs776191700, gnomAD 0.005%). This variant has not been reported in the literature in individuals affected with NPC1-related conditions. Algorithms developed to predict the effect of sequence changes on RNA splicing suggest that this variant may disrupt the consensus splice site. In summary, the available evidence is currently insufficient to determine the role of this variant in disease. Therefore, it has been classified as a Variant of Uncertain Significance.